The following is an entry in ClinVar:

ClinVar aggregate classification (germline): Uncertain significance. Review status: criteria provided, multiple submitters, no conflicts (2 of 4 stars). 2 submissions from 2 submitters: Uncertain significance (2). Last evaluated 2025-07-14.

Allele frequency attached by ClinVar (database versions not stated): 1000 Genomes Project 0.00020; ExAC 0.00029; 1000 Genomes Project 30x 0.00031; ESP Exome Variant Server 0.00038.
gnomAD v4.1: 824 of 1,614,162 alleles (0.051%); highest among the groups gnomAD compares: Non-Finnish European, 0.066%; no homozygotes.

Submissions (2):

GeneDx
Classification: Uncertain significance. Last evaluated: 2025-07-14. Review status: criteria provided, single submitter. Criteria: GeneDx Variant Classification Process June 2021. Collection method: clinical testing. Allele origin: germline.
Comment: In silico analysis suggests that this missense variant does not alter protein structure/function; Has not been previously published as pathogenic or benign to our knowledge

Ambry Genetics
Classification: Uncertain significance. Last evaluated: 2024-01-17. Review status: criteria provided, single submitter. Criteria: Ambry Variant Classification Scheme 2023. Collection method: clinical testing. Allele origin: germline.

NM_001353694.2(TIAM1):c.2962T>A (p.Ser988Thr)

Gene: TIAM1 (TIAM Rac1 associated GEF 1; minus strand). Cytogenetic location: 21q22.11.
Variant type: single nucleotide variant.
Coding change: c.2962T>A on transcript NM_001353694.2 (MANE Select); coding-DNA position 2962, T replaced by A.
Protein change: p.Ser988Thr; replaces serine 988 with threonine.
Molecular consequence: missense variant.
Genome position (GRCh38, 1-based): chr21:31,164,991, A>T on the plus strand (T>A on the coding strand, the complement: TIAM1 is on the minus strand). VCF-style: chr21-31164991-A-T. GRCh37 (hg19) VCF-style: chr21-32537308-A-T.
Other names: c.2962T>A, p.Ser988Thr (NM_001353686.2, NM_001353688.1, NM_001353689.1 and 5 more transcripts); c.2887T>A, p.Ser963Thr (NM_001353687.2); short protein forms S988T, S963T.
Identifiers: ClinVar variation 2351927 (VCV002351927.4), dbSNP rs143173605, ClinGen allele CA9997985.
Genomic context (GRCh38, chr21:31,164,991, plus strand): 5'-AGCATGGGATGTGAAAATGAAAATCTCTCACCTTGCTGCTGTGATCAGTCTCATCTGAGG[A>T]TTCCAAGTCTGGCCCCTCGGTCTCCTCTGGAGCGGTCTCAGCACTGCTGCCCTGCTCGCT-3'
Protein context (NP_001340623.1, residues 978-998): PEETEGPDLE[Ser988Thr]SDETDHSSKS